The following is an entry in ClinVar:

NM_014946.4(SPAST):c.1247T>C (p.Val416Ala)

Gene: SPAST (spastin; plus strand). Cytogenetic location: 2p22.3.
Variant type: single nucleotide variant.
Coding change: c.1247T>C on transcript NM_014946.4 (MANE Select); coding-DNA position 1247, T replaced by C.
Protein change: p.Val416Ala; replaces valine 416 with alanine.
Molecular consequence: missense variant.
Genome position (GRCh38, 1-based): chr2:32,136,564, T>C. VCF-style: chr2-32136564-T-C. GRCh37 (hg19) VCF-style: chr2-32361633-T-C.
Other names: c.1244T>C, p.Val415Ala (NM_001363823.2); c.1148T>C, p.Val383Ala (NM_001363875.2); c.1151T>C, p.Val384Ala (NM_001377959.1, NM_199436.2); short protein forms V416A, V415A, V383A, V384A.
Identifiers: ClinVar variation 586659 (VCV000586659.8), dbSNP rs1558336489, ClinGen allele CA346501824.

ClinVar aggregate classification (germline): Uncertain significance. Review status: criteria provided, multiple submitters, no conflicts (2 of 4 stars). 3 submissions from 3 submitters: Uncertain significance (3). Last evaluated 2026-01-05.

Conditions:
Hereditary spastic paraplegia 4. Also called: Spastic paraplegia 4, autosomal dominant; Spastic Paraplegia 4; Familial spastic paraplegia autosomal dominant 2. Identifiers: Orphanet 100985, MedGen C1866855, MONDO:0008438, OMIM 182601.

Allele frequency attached by ClinVar (database versions not stated): TOPMed below 0.00001.

Submissions (3):

Labcorp Genetics (formerly Invitae), Labcorp
Classification: Uncertain significance for Hereditary spastic paraplegia 4. Last evaluated: 2026-01-05. Review status: criteria provided, single submitter. Criteria: Invitae Variant Classification Sherloc (09022015). Collection method: clinical testing. Allele origin: germline.
Comment: This sequence change replaces valine, which is neutral and non-polar, with alanine, which is neutral and non-polar, at codon 416 of the SPAST protein (p.Val416Ala). This variant is not present in population databases (gnomAD no frequency). This variant has not been reported in the literature in individuals affected with SPAST-related conditions. ClinVar contains an entry for this variant (Variation ID: 586659). An algorithm developed to predict the effect of missense changes on protein structure and function (PolyPhen-2) suggests that this variant is likely to be disruptive. In summary, the available evidence is currently insufficient to determine the role of this variant in disease. Therefore, it has been classified as a Variant of Uncertain Significance.

Greenwood Genetic Center Diagnostic Laboratories, Greenwood Genetic Center
Classification: Uncertain significance. Last evaluated: 2025-03-10. Review status: criteria provided, single submitter. Criteria: ACMG Guidelines, 2015. Collection method: clinical testing. Allele origin: germline.
Comment: PM1, PM2, PP3

Athena Diagnostics
Classification: Uncertain significance. Last evaluated: 2021-04-01. Review status: criteria provided, single submitter. Criteria: Athena Diagnostics criteria. Collection method: clinical testing. Allele origin: unknown.